The following is an entry in ClinVar:

NM_001363711.2(DUOX2):c.4076C>A (p.Pro1359Gln)

Gene: DUOX2 (dual oxidase 2; minus strand). Cytogenetic location: 15q21.1.
Variant type: single nucleotide variant.
Coding change: c.4076C>A on transcript NM_001363711.2 (MANE Select); coding-DNA position 4076, C replaced by A.
Protein change: p.Pro1359Gln; replaces proline 1359 with glutamine.
Molecular consequence: missense variant.
Genome position (GRCh38, 1-based): chr15:45,095,832, G>T on the plus strand (C>A on the coding strand, the complement: DUOX2 is on the minus strand). VCF-style: chr15-45095832-G-T. GRCh37 (hg19) VCF-style: chr15-45388030-G-T.
Other names: c.4076C>A, p.Pro1359Gln (NM_014080.5); short protein forms P1359Q.
Identifiers: ClinVar variation 2858448 (VCV002858448.3), dbSNP rs774309732, ClinGen allele CA7537655.

ClinVar aggregate classification (germline): Uncertain significance (1 of 4 stars; one submission).

Allele frequency attached by ClinVar (database versions not stated): TOPMed below 0.00001; ExAC 0.00001.

Submission:

Labcorp Genetics (formerly Invitae), Labcorp
Classification: Uncertain significance. Last evaluated: 2023-04-22. Review status: criteria provided, single submitter. Criteria: Invitae Variant Classification Sherloc (09022015). Collection method: clinical testing. Allele origin: germline.
Comment: This sequence change replaces proline, which is neutral and non-polar, with glutamine, which is neutral and polar, at codon 1359 of the DUOX2 protein (p.Pro1359Gln). In summary, the available evidence is currently insufficient to determine the role of this variant in disease. Therefore, it has been classified as a Variant of Uncertain Significance. Advanced modeling of protein sequence and biophysical properties (such as structural, functional, and spatial information, amino acid conservation, physicochemical variation, residue mobility, and thermodynamic stability) performed at Invitae indicates that this missense variant is expected to disrupt DUOX2 protein function. This variant has not been reported in the literature in individuals affected with DUOX2-related conditions. This variant is present in population databases (rs774309732, gnomAD 0.0009%).